The following is an entry in ClinVar:

NM_019844.4(SLCO1B3):c.1068T>C (p.Phe356=)

Genes: SLCO1B3 (solute carrier organic anion transporter family member 1B3; plus strand), SLCO1B3-SLCO1B7 (SLCO1B3-SLCO1B7 readthrough; plus strand). Cytogenetic location: 12p12.2.
Variant type: single nucleotide variant.
Coding change: c.1068T>C on transcript NM_019844.4 (MANE Select); coding-DNA position 1068, T replaced by C.
Protein change: p.Phe356=; no amino-acid change (phenylalanine 356 retained).
Molecular consequence: synonymous variant.
Genome position (GRCh38, 1-based): chr12:20,877,869, T>C. VCF-style: chr12-20877869-T-C. GRCh37 (hg19) VCF-style: chr12-21030803-T-C.
Other names: c.1068T>C, p.Phe356= (NM_001371097.1); c.984T>C, p.Phe328= (NM_001349920.2).
Identifiers: ClinVar variation 3032507 (VCV003032507.2), dbSNP rs150373728, ClinGen allele CA6475437.

ClinVar aggregate classification (germline): Likely benign (0 of 4 stars; one submission).

Conditions:
SLCO1B3-related disorder. Also called: SLCO1B3-related condition.

Allele frequency attached by ClinVar (database versions not stated): gnomAD exomes 0.00001; ExAC 0.00005; ESP Exome Variant Server 0.00008; gnomAD 0.00010; TOPMed 0.00014.
gnomAD v4.1: 32 of 1,592,926 alleles (0.002%); highest among the groups gnomAD compares: African/African-American, 0.039%; no homozygotes.

Submission:

PreventionGenetics, part of Exact Sciences
Classification: Likely benign for SLCO1B3-related condition. Last evaluated: 2024-02-16. Review status: no assertion criteria provided. Collection method: clinical testing. Allele origin: germline.
Comment: This variant is classified as likely benign based on ACMG/AMP sequence variant interpretation guidelines (Richards et al. 2015 PMID: 25741868, with internal and published modifications).